The following is an entry in ClinVar:

ClinVar aggregate classification (germline): Benign/Likely benign. Review status: criteria provided, multiple submitters, no conflicts (2 of 4 stars). 3 submissions from 3 submitters: Benign (1); Likely benign (2). Last evaluated 2025-06-01.

Conditions:
Hereditary cancer-predisposing syndrome. Also called: Neoplastic Syndromes, Hereditary; Tumor predisposition; Hereditary neoplastic syndrome; Hereditary Cancer Syndrome. Identifiers: Orphanet 140162, MedGen C0027672, MeSH D009386, MONDO:0015356.
Familial adenomatous polyposis 1 (FAP1). Also called: POLYPOSIS, ADENOMATOUS INTESTINAL; FAMILIAL ADENOMATOUS POLYPOSIS 1, ATTENUATED. Identifiers: MedGen C2713442, MONDO:0021056, OMIM 175100. Disease mechanism: loss of function.

Submissions (3):

Labcorp Genetics (formerly Invitae), Labcorp
Classification: Likely benign for Familial adenomatous polyposis 1. Last evaluated: 2025-06-01. Review status: criteria provided, single submitter. Criteria: Invitae Variant Classification Sherloc (09022015). Collection method: clinical testing. Allele origin: germline.

Ambry Genetics
Classification: Likely benign for Hereditary cancer-predisposing syndrome. Last evaluated: 2024-06-08. Review status: criteria provided, single submitter. Criteria: Ambry Variant Classification Scheme 2023. Collection method: clinical testing. Allele origin: germline.

Myriad Genetics, Inc.
Classification: Benign for Familial adenomatous polyposis 1. Last evaluated: 2024-03-28. Review status: criteria provided, single submitter. Criteria: Myriad Autosomal Dominant, Autosomal Recessive and X-Linked Classification Criteria (2023). Collection method: clinical testing. Allele origin: unknown.
Comment: This variant is considered benign. This variant is a silent/synonymous amino acid change and it is not expected to impact splicing.

NM_000038.6(APC):c.4983A>C (p.Thr1661=)

Gene: APC (APC regulator of Wnt signaling pathway; plus strand). Cytogenetic location: 5q22.2.
Variant type: single nucleotide variant.
Coding change: c.4983A>C on transcript NM_000038.6 (MANE Select); coding-DNA position 4983, A replaced by C.
Protein change: p.Thr1661=; no amino-acid change (threonine 1661 retained).
Molecular consequence: synonymous variant. On other transcripts: non-coding transcript variant (2).
Genome position (GRCh38, 1-based): chr5:112,840,577, A>C. VCF-style: chr5-112840577-A-C. GRCh37 (hg19) VCF-style: chr5-112176274-A-C.
Other names: c.4983A>C (NM_000038.5); c.4983A>C, p.Thr1661= (NM_001127510.3, NM_001354895.2, NM_001407450.1); c.4929A>C, p.Thr1643= (NM_001127511.3); c.5037A>C, p.Thr1679= (NM_001354896.2, NM_001407447.1, NM_001407448.1 and 1 more transcripts); c.5013A>C, p.Thr1671= (NM_001354897.2); c.4908A>C, p.Thr1636= (NM_001354898.2); c.4899A>C, p.Thr1633= (NM_001354899.2); c.4860A>C, p.Thr1620= (NM_001354900.2); and 12 more.
Identifiers: ClinVar variation 3148134 (VCV003148134.3), dbSNP rs1765819907, ClinGen allele CA446208739.